The following is an entry in ClinVar:

ClinVar aggregate classification (germline): Uncertain significance (1 of 4 stars; one submission).

Conditions:
Cardiovascular phenotype. Identifiers: MedGen CN230736.

Submission:

Ambry Genetics
Classification: Uncertain significance for Cardiovascular phenotype. Last evaluated: 2021-12-24. Review status: criteria provided, single submitter. Criteria: Ambry Variant Classification Scheme 2023. Collection method: clinical testing. Allele origin: germline.
Comment: The p.V8L variant (also known as c.22G>C), located in coding exon 1 of the ACTN2 gene, results from a G to C substitution at nucleotide position 22. The valine at codon 8 is replaced by leucine, an amino acid with highly similar properties. This amino acid position is conserved. In addition, this alteration is predicted to be tolerated by in silico analysis. Since supporting evidence is limited at this time, the clinical significance of this alteration remains unclear.

NM_001103.4(ACTN2):c.22G>C (p.Val8Leu)

Gene: ACTN2 (actinin alpha 2; plus strand). Cytogenetic location: 1q43.
Variant type: single nucleotide variant.
Coding change: c.22G>C on transcript NM_001103.4 (MANE Select); coding-DNA position 22, G replaced by C.
Protein change: p.Val8Leu; replaces valine 8 with leucine.
Molecular consequence: missense variant. On other transcripts: 5 prime UTR variant (1).
Genome position (GRCh38, 1-based): chr1:236,686,695, G>C. VCF-style: chr1-236686695-G-C. GRCh37 (hg19) VCF-style: chr1-236849995-G-C.
Other names: c.22G>C, p.Val8Leu (NM_001278343.2); c.-800G>C (NM_001278344.2); c.-925G>C (NM_001412150.1); short protein forms V8L.
Identifiers: ClinVar variation 1789267 (VCV001789267.2), dbSNP rs551141480, ClinGen allele CA345358093.